The following is an entry in ClinVar:

ClinVar aggregate classification (germline): Uncertain significance. Review status: criteria provided, multiple submitters, no conflicts (2 of 4 stars). 6 submissions from 6 submitters: Uncertain significance (6). Last evaluated 2026-10-15.

Conditions:
Dilated cardiomyopathy 2A (CMD2A). Also called: CARDIOMYOPATHY, CONGESTIVE, AUTOSOMAL RECESSIVE; CARDIOMYOPATHY, DILATED, AUTOSOMAL RECESSIVE. Identifiers: Orphanet 154, MedGen C2678474, MONDO:0012746, OMIM 611880.
Cardiomyopathy, familial restrictive, 1. Identifiers: Orphanet 75249, MedGen C1861861, MONDO:0007270, OMIM 115210.
Dilated cardiomyopathy 1FF (CMD1FF). Identifiers: Orphanet 154, MedGen C2750091, MONDO:0013211, OMIM 613286.
Hypertrophic cardiomyopathy 7. Also called: TNNI3-Related Familial Hypertrophic Cardiomyopathy; Familial hypertrophic cardiomyopathy 7; CARDIOMYOPATHY, FAMILIAL HYPERTROPHIC, 7, MODIFIER OF. Identifiers: MedGen C1860752, MONDO:0013369, OMIM 613690.
Hypertrophic cardiomyopathy. Also called: HYPERTROPHIC MYOCARDIOPATHY. Identifiers: Orphanet 217569, MedGen C0007194, MeSH D002312, MONDO:0005045, HP:0001639.
Cardiomyopathy (CMYO). Also called: Cardiomyopathies. Identifiers: Orphanet 167848, MedGen C0878544, MONDO:0004994, HP:0001638. Inheritance: Various modes of inheritance.
Cardiovascular phenotype. Identifiers: MedGen CN230736.

Allele frequency attached by ClinVar (database versions not stated): ExAC 0.00002; ESP Exome Variant Server 0.00025; gnomAD 0.00002; TOPMed 0.00002.
gnomAD v4.1: 19 of 1,597,456 alleles (0.0012%); highest among the groups gnomAD compares: Non-Finnish European, 0.0014%; no homozygotes.

Submissions (6):

GeneDx
Classification: Uncertain significance. Last evaluated: 2026-10-15. Review status: criteria provided, single submitter. Criteria: GeneDx Variant Classification Process June 2021. Collection method: clinical testing. Allele origin: germline.
Comment: Not observed at significant frequency in large population cohorts (gnomAD); In silico analysis suggests that this missense variant does not alter protein structure/function; This variant is associated with the following publications: (PMID: 33495597)

Labcorp Genetics (formerly Invitae), Labcorp
Classification: Uncertain significance for Hypertrophic cardiomyopathy. Last evaluated: 2025-10-31. Review status: criteria provided, single submitter. Criteria: Invitae Variant Classification Sherloc (09022015). Collection method: clinical testing. Allele origin: germline.
Comment: This sequence change replaces threonine, which is neutral and polar, with methionine, which is neutral and non-polar, at codon 31 of the TNNI3 protein (p.Thr31Met). The frequency data for this variant in the population databases is considered unreliable, as metrics indicate poor data quality at this position in the gnomAD database. This missense change has been observed in individual(s) with hypertrophic cardiomyopathy (PMID: 33495597). ClinVar contains an entry for this variant (Variation ID: 629524). An algorithm developed to predict the effect of missense changes on protein structure and function (PolyPhen-2) suggests that this variant is likely to be disruptive. In summary, the available evidence is currently insufficient to determine the role of this variant in disease. Therefore, it has been classified as a Variant of Uncertain Significance.

All of Us Research Program, National Institutes of Health
Classification: Uncertain significance for Hypertrophic cardiomyopathy. Last evaluated: 2024-07-20. Review status: criteria provided, single submitter. Criteria: ACMG Guidelines, 2015. Collection method: clinical testing. Allele origin: germline. Inheritance: Autosomal dominant inheritance. Observed: 10 variant alleles, 10 heterozygotes.
Comment: This missense variant replaces threonine with methionine at codon 31 of the TNNI3 protein. Computational prediction suggests that this variant may have deleterious impact on protein structure and function (internally defined REVEL score threshold >= 0.7, PMID: 27666373). To our knowledge, functional studies have not been reported for this variant. This variant has not been reported in individuals affected with cardiovascular disorders in the literature. This variant has not been identified in the general population by the Genome Aggregation Database (gnomAD). The available evidence is insufficient to determine the role of this variant in disease conclusively. Therefore, this variant is classified as a Variant of Uncertain Significance.

This study involves interpretation of variants in research participants for the purpose of population health screening. Participant phenotype was not available at the time of variant classification. Additional details can be found in publication PMID: 35346344, PMCID: PMC8962531

Color Diagnostics, LLC DBA Color Health
Classification: Uncertain significance for Cardiomyopathy. Last evaluated: 2024-07-11. Review status: criteria provided, single submitter. Criteria: ACMG Guidelines, 2015. Collection method: clinical testing. Allele origin: germline.
Comment: This missense variant replaces threonine with methionine at codon 31 of the TNNI3 protein. Computational prediction tools indicate that this variant has a neutral impact on protein structure and function. To our knowledge, functional studies have not been reported for this variant. This variant has been reported in an individual affected with hypertrophic cardiomyopathy (PMID: 33495597). This variant has not been identified in the general population by the Genome Aggregation Database (gnomAD). The available evidence is insufficient to determine the role of this variant in disease conclusively. Therefore, this variant is classified as a Variant of Uncertain Significance.

Ambry Genetics
Classification: Uncertain significance for Cardiovascular phenotype. Last evaluated: 2022-06-24. Review status: criteria provided, single submitter. Criteria: Ambry Variant Classification Scheme 2023. Collection method: clinical testing. Allele origin: germline.
Comment: The p.T31M variant (also known as c.92C>T), located in coding exon 3 of the TNNI3 gene, results from a C to T substitution at nucleotide position 92. The threonine at codon 31 is replaced by methionine, an amino acid with similar properties. This alteration has been reported in a hypertrophic cardiomyopathy (HCM) cohort; however, clinical details were limited (Harper AR et al. Nat Genet, 2021 02;53:135-142). This amino acid position is well conserved in available vertebrate species. In addition, the in silico prediction for this alteration is inconclusive. Since supporting evidence is limited at this time, the clinical significance of this alteration remains unclear.

Fulgent Genetics
Classification: Uncertain significance for Cardiomyopathy, familial restrictive, 1; Dilated cardiomyopathy 2A; Dilated cardiomyopathy 1FF; Hypertrophic cardiomyopathy 7. Last evaluated: 2021-07-13. Review status: criteria provided, single submitter. Criteria: ACMG Guidelines, 2015. Collection method: clinical testing. Allele origin: unknown.

Literature cited by the submitters: PubMed 33495597 (cited by 3 submitters).

NM_000363.5(TNNI3):c.92C>T (p.Thr31Met)

Gene: TNNI3 (troponin I3, cardiac type; minus strand). Cytogenetic location: 19q13.42.
Variant type: single nucleotide variant.
Coding change: c.92C>T on transcript NM_000363.5 (MANE Select); coding-DNA position 92, C replaced by T.
Protein change: p.Thr31Met; replaces threonine 31 with methionine.
Molecular consequence: missense variant.
Genome position (GRCh38, 1-based): chr19:55,157,066, G>A on the plus strand (C>T on the coding strand, the complement: TNNI3 is on the minus strand). VCF-style: chr19-55157066-G-A. GRCh37 (hg19) VCF-style: chr19-55668434-G-A.
Other names: c.92C>T (LRG_432t1); short protein forms T31M.
Identifiers: ClinVar variation 629524 (VCV000629524.21), dbSNP rs201928445, ClinGen allele CA052001.
Genomic context (GRCh38, chr19:55,157,066, plus strand): 5'-TCCCTCCGGCGCCTGTACTCTGCCCCCAGGAAGCCCCGTCCCACCTTGGCGTGCGGCTCC[G>A]TGGCATAAGCGCGGTAGTTGGAGGAGCGGCGTCTGATTGGGGCTGGTGCAGGGCGAGGTT-3'
Protein context (NP_000354.4, residues 21-41): RRSSNYRAYA[Thr31Met]EPHAKKKSKI